The following is an entry in ClinVar:

NM_001267550.2(TTN):c.47142T>A (p.Cys15714Ter)

Genes: TTN (titin; minus strand), TTN-AS1 (TTN antisense RNA 1; plus strand). Cytogenetic location: 2q31.2.
Variant type: single nucleotide variant.
Coding change: c.47142T>A on transcript NM_001267550.2 (MANE Select); coding-DNA position 47142, T replaced by A.
Protein change: p.Cys15714Ter; replaces cysteine 15714 with a stop codon.
Molecular consequence: nonsense.
Genome position (GRCh38, 1-based): chr2:178,618,316, A>T on the plus strand (T>A on the coding strand, the complement: TTN is on the minus strand). VCF-style: chr2-178618316-A-T. GRCh37 (hg19) VCF-style: chr2-179483043-A-T.
Other names: c.42219T>A, p.Cys14073Ter (NM_001256850.1); c.19947T>A, p.Cys6649Ter (NM_003319.4); c.39438T>A, p.Cys13146Ter (NM_133378.4); c.20322T>A, p.Cys6774Ter (NM_133432.3); c.20523T>A, p.Cys6841Ter (NM_133437.4); short protein forms C13146*, C14073*, C15714*, C6649*, C6774*, C6841*.
Identifiers: ClinVar variation 1329158 (VCV001329158.3), dbSNP rs2154209488, ClinGen allele CA349619539.
Genomic context (GRCh38, chr2:178,618,316, plus strand): 5'-TGCACTCACACGGAATAGGTACTCAACTCCTCCTTTCTGTAGACCAGTGACAGTAAACTC[A>T]CAACTCTCTGCACGGTCTGTGGCCAGAACCCAGGTCTTTCTCTTAATGTCACGTCTTTCA-3'

ClinVar aggregate classification (germline): Likely pathogenic. Review status: criteria provided, multiple submitters, no conflicts (2 of 4 stars). 2 submissions from 2 submitters: Likely pathogenic (2). Last evaluated 2025-12-15.

Conditions:
Dilated cardiomyopathy 1G (CMD1G). Identifiers: Orphanet 154, MedGen C1858763, MONDO:0011400, OMIM 604145.
Autosomal recessive limb-girdle muscular dystrophy type 2J (LGMDR10). Also called: Limb-girdle muscular dystrophy, type 2J; MUSCULAR DYSTROPHY, LIMB-GIRDLE, AUTOSOMAL RECESSIVE 10. Identifiers: Orphanet 140922, MedGen C1837342, MONDO:0012127, OMIM 608807.
Cardiomyopathy (CMYO). Also called: Cardiomyopathies. Identifiers: Orphanet 167848, MedGen C0878544, MONDO:0004994, HP:0001638. Inheritance: Various modes of inheritance.

Submissions (2):

Labcorp Genetics (formerly Invitae), Labcorp
Classification: Likely pathogenic for Dilated cardiomyopathy 1G; Autosomal recessive limb-girdle muscular dystrophy type 2J. Last evaluated: 2025-12-15. Review status: criteria provided, single submitter. Criteria: Invitae Variant Classification Sherloc (09022015). Collection method: clinical testing. Allele origin: germline.
Comment: This sequence change creates a premature translational stop signal (p.Cys15714*) in the TTN gene. While this is not anticipated to result in nonsense mediated decay, it is expected to create a truncated TTN protein. This variant is not present in population databases (gnomAD no frequency). This variant has not been reported in the literature in individuals affected with TTN-related conditions. ClinVar contains an entry for this variant (Variation ID: 1329158). This variant is located in the A band of TTN (PMID: 25589632). Truncating variants in this region are significantly overrepresented in patients affected with dilated cardiomyopathy (PMID: 25589632). Truncating variants in this region have also been reported in individuals affected with autosomal recessive centronuclear myopathy (PMID: 23975875). In summary, the currently available evidence indicates that the variant is pathogenic, but additional data are needed to prove that conclusively. Therefore, this variant has been classified as Likely Pathogenic.

CHEO Genetics Diagnostic Laboratory, Children's Hospital of Eastern Ontario
Classification: Likely pathogenic for Cardiomyopathy. Last evaluated: 2019-06-27. Review status: criteria provided, single submitter. Criteria: ACMG Guidelines, 2015. Collection method: clinical testing. Allele origin: germline.

Literature cited by the submitters: PubMed 25589632 (cited by Labcorp Genetics (formerly Invitae), Labcorp); PubMed 23975875 (cited by Labcorp Genetics (formerly Invitae), Labcorp).